The following is an entry in ClinVar:

NM_001318852.2(MAPK8IP3):c.584G>A (p.Ser195Asn)

Gene: MAPK8IP3 (mitogen-activated protein kinase 8 interacting protein 3; plus strand). Cytogenetic location: 16p13.3.
Variant type: single nucleotide variant.
Coding change: c.584G>A on transcript NM_001318852.2 (MANE Select); coding-DNA position 584, G replaced by A.
Protein change: p.Ser195Asn; replaces serine 195 with asparagine.
Molecular consequence: missense variant.
Genome position (GRCh38, 1-based): chr16:1,729,560, G>A. VCF-style: chr16-1729560-G-A. GRCh37 (hg19) VCF-style: chr16-1779561-G-A.
Other names: c.584G>A, p.Ser195Asn (NM_001040439.2, NM_015133.5); short protein forms S195N.
Identifiers: ClinVar variation 1063093 (VCV001063093.9), dbSNP rs762918883, ClinGen allele CA394220121.
Genomic context (GRCh38, chr16:1,729,560, plus strand): 5'-ACGTGGAGCACATTGAGAGGTCCAAGATGCAGCAGGTCGGAGGAAACAGCCAGACCGAGA[G>A]CAGCCTGCCGGGGCGGAGGTACGCGGGGCGCGGCGGGGTGGAGGTACGCGGGGCGCGGCG-3'
Protein context (NP_001305781.1, residues 185-205): QQVGGNSQTE[Ser195Asn]SLPGRSRKER

ClinVar aggregate classification (germline): Uncertain significance (1 of 4 stars; one submission).

Submission:

Labcorp Genetics (formerly Invitae), Labcorp
Classification: Uncertain significance. Last evaluated: 2022-07-28. Review status: criteria provided, single submitter. Criteria: Invitae Variant Classification Sherloc (09022015). Collection method: clinical testing. Allele origin: germline.
Comment: Experimental studies and prediction algorithms are not available or were not evaluated, and the functional significance of this variant is currently unknown. ClinVar contains an entry for this variant (Variation ID: 1063093). This missense change has been observed in individual(s) with clinical features of MAPK8IP3-related conditions (Invitae). This variant is not present in population databases (gnomAD no frequency). This sequence change replaces serine, which is neutral and polar, with asparagine, which is neutral and polar, at codon 195 of the MAPK8IP3 protein (p.Ser195Asn). In summary, the available evidence is currently insufficient to determine the role of this variant in disease. Therefore, it has been classified as a Variant of Uncertain Significance.